The following is an entry in ClinVar:

NM_001271.4(CHD2):c.2644GTC[1] (p.Val883del)

Gene: CHD2 (chromodomain helicase DNA binding protein 2; plus strand). Cytogenetic location: 15q26.1.
Variant type: Microsatellite.
Coding change: c.2644GTC[1] on transcript NM_001271.4 (MANE Select); one copy of the 3-base unit GTC starting at c.2644; the reference has two copies in a row; one copy, 3 bases deleted; also written c.2647_2649del.
Protein change: p.Val883del; deletes valine 883.
Molecular consequence: inframe deletion.
Genome position (GRCh38, 1-based): chr15:92,978,303-92,978,305, GTC deleted; deleting any 3 consecutive bases within chr15:92,978,300-92,978,305 gives the same sequence; the position shown is the placement nearest the transcript's 3' end. VCF-style (leftmost placement, unchanged base first): chr15-92978299-AGTC-A. GRCh37 (hg19) VCF-style: chr15-93521529-AGTC-A.
Other names: p.Val883del; c.2647_2649del (NM_001271.4); short protein forms V883del.
Identifiers: ClinVar variation 3063600 (VCV003063600.2), dbSNP rs2505543217, ClinGen allele CA2740096784.
Genomic context (GRCh38, chr15:92,978,299, plus strand): 5'-CTGTTTCCTGCTCTCGACAAGGGCTGGTGGCCTGGGAATCAATTTGGCTTCAGCGGACAC[AGTC>A]GTCATCTTTGACTCTGACTGGAACCCCCAGAATGACTTGCAGGCACAAGCCCGAGCGCAT-3'

ClinVar aggregate classification (germline): Likely pathogenic (1 of 4 stars; one submission).

Conditions:
Developmental and epileptic encephalopathy 94 (DEE94). Also called: Epileptic encephalopathy, childhood-onset; CHD2-Related Neurodevelopmental Disorders. Identifiers: Orphanet 1942, Orphanet 2382, MedGen C3809278, MONDO:0014150, OMIM 615369.

Submission:

Pediatrics, MediClubGeorgia
Classification: Likely pathogenic for Developmental and epileptic encephalopathy 94. Last evaluated: 2024-03-01. Review status: criteria provided, single submitter. Criteria: ACMG Guidelines, 2015. Collection method: clinical testing. Allele origin: germline. Inheritance: Autosomal dominant inheritance. Affected: yes. Observed: 1 hemizygote.
Comment: The variant is not observed in the gnomAD v2.1.1 dataset. Inframe deletion located in a nonrepeat region: is predicted to change the length of the protein and disrupt normal protein function. Phenotype is highly compatible with characteristic features of CHD-associated disorder.